The following is an entry in ClinVar:

NM_000136.3(FANCC):c.1563G>C (p.Glu521Asp)

Genes: AOPEP (aminopeptidase O (putative); plus strand), FANCC (FA complementation group C; minus strand). Cytogenetic location: 9q22.32.
Variant type: single nucleotide variant.
Coding change: c.1563G>C on transcript NM_000136.3 (MANE Select); coding-DNA position 1563, G replaced by C.
Protein change: p.Glu521Asp; replaces glutamic acid 521 with aspartic acid.
Molecular consequence: missense variant.
Genome position (GRCh38, 1-based): chr9:95,101,821, C>G on the plus strand (G>C on the coding strand, the complement: FANCC is on the minus strand). VCF-style: chr9-95101821-C-G. GRCh37 (hg19) VCF-style: chr9-97864103-C-G.
Other names: c.1563G>C (NM_000136.2); c.1563G>C, p.Glu521Asp (NM_001243743.2); short protein forms E521D.
Identifiers: ClinVar variation 1034879 (VCV001034879.12), dbSNP rs2071088182, ClinGen allele CA374104729.

ClinVar aggregate classification (germline): Uncertain significance. Review status: criteria provided, multiple submitters, no conflicts (2 of 4 stars). 2 submissions from 2 submitters: Uncertain significance (2). Last evaluated 2023-03-24.

Conditions:
Hereditary cancer-predisposing syndrome. Also called: Hereditary neoplastic syndrome; Neoplastic Syndromes, Hereditary; Tumor predisposition; Hereditary Cancer Syndrome. Identifiers: Orphanet 140162, MedGen C0027672, MeSH D009386, MONDO:0015356.
Fanconi anemia (FA). Also called: Fanconi's anemia. Identifiers: Orphanet 84, MedGen C0015625, MeSH D005199, MONDO:0019391.

Submissions (2):

Ambry Genetics
Classification: Uncertain significance for Hereditary cancer-predisposing syndrome. Last evaluated: 2023-03-24. Review status: criteria provided, single submitter. Criteria: Ambry Variant Classification Scheme 2023. Collection method: clinical testing. Allele origin: germline.
Comment: The p.E521D variant (also known as c.1563G>C), located in coding exon 14 of the FANCC gene, results from a G to C substitution at nucleotide position 1563. The glutamic acid at codon 521 is replaced by aspartic acid, an amino acid with highly similar properties. This amino acid position is conserved. In addition, this alteration is predicted to be tolerated by in silico analysis. Since supporting evidence is limited at this time, the clinical significance of this alteration remains unclear.

Labcorp Genetics (formerly Invitae), Labcorp
Classification: Uncertain significance for Fanconi anemia. Last evaluated: 2020-02-10. Review status: criteria provided, single submitter. Criteria: Invitae Variant Classification Sherloc (09022015). Collection method: clinical testing. Allele origin: germline.
Comment: In summary, the available evidence is currently insufficient to determine the role of this variant in disease. Therefore, it has been classified as a Variant of Uncertain Significance. This sequence change replaces glutamic acid with aspartic acid at codon 521 of the FANCC protein (p.Glu521Asp). The glutamic acid residue is highly conserved and there is a small physicochemical difference between glutamic acid and aspartic acid. This variant is not present in population databases (ExAC no frequency). This variant has not been reported in the literature in individuals with FANCC-related conditions. Algorithms developed to predict the effect of missense changes on protein structure and function are either unavailable or do not agree on the potential impact of this missense change (SIFT: "Tolerated"; PolyPhen-2: "Probably Damaging"; Align-GVGD: "Class C0").